The following is an entry in ClinVar:

NM_006231.4(POLE):c.4448G>A (p.Ser1483Asn)

Gene: POLE (DNA polymerase epsilon, catalytic subunit; minus strand). Cytogenetic location: 12q24.33.
Variant type: single nucleotide variant.
Coding change: c.4448G>A on transcript NM_006231.4 (MANE Select); coding-DNA position 4448, G replaced by A.
Protein change: p.Ser1483Asn; replaces serine 1483 with asparagine.
Molecular consequence: missense variant.
Genome position (GRCh38, 1-based): chr12:132,643,327, C>T on the plus strand (G>A on the coding strand, the complement: POLE is on the minus strand). VCF-style: chr12-132643327-C-T. GRCh37 (hg19) VCF-style: chr12-133219913-C-T.
Other names: short protein forms S1483N.
Identifiers: ClinVar variation 1740659 (VCV001740659.4), dbSNP rs931491187, ClinGen allele CA246304574.

ClinVar aggregate classification (germline): Conflicting classifications of pathogenicity. Review status: criteria provided, conflicting classifications (1 of 4 stars). 2 submissions from 2 submitters: Uncertain significance (1); Likely benign (1). Last evaluated 2026-01-11.

Conditions:
Hereditary cancer-predisposing syndrome. Also called: Hereditary Cancer Syndrome; Hereditary neoplastic syndrome; Neoplastic Syndromes, Hereditary; Tumor predisposition. Identifiers: Orphanet 140162, MedGen C0027672, MeSH D009386, MONDO:0015356.

Allele frequency attached by ClinVar (database versions not stated): gnomAD exomes below 0.00001.
gnomAD v4.1: 2 of 1,614,094 alleles (0.00012%); highest among the groups gnomAD compares: African/African-American, 0.0013%; no homozygotes.

Submissions (2):

Labcorp Genetics (formerly Invitae), Labcorp
Classification: Uncertain significance. Last evaluated: 2026-01-11. Review status: criteria provided, single submitter. Criteria: Invitae Variant Classification Sherloc (09022015). Collection method: clinical testing. Allele origin: germline.
Comment: This sequence change replaces serine, which is neutral and polar, with asparagine, which is neutral and polar, at codon 1483 of the POLE protein (p.Ser1483Asn). This variant is present in population databases (no rsID available, gnomAD 0.0009%). This variant has not been reported in the literature in individuals affected with POLE-related conditions. ClinVar contains an entry for this variant (Variation ID: 1740659). Invitae Evidence Modeling of protein sequence and biophysical properties (such as structural, functional, and spatial information, amino acid conservation, physicochemical variation, residue mobility, and thermodynamic stability) indicates that this missense variant is not expected to disrupt POLE protein function with a negative predictive value of 80%. In summary, the available evidence is currently insufficient to determine the role of this variant in disease. Therefore, it has been classified as a Variant of Uncertain Significance.

Ambry Genetics
Classification: Likely benign for Hereditary cancer-predisposing syndrome. Last evaluated: 2025-04-03. Review status: criteria provided, single submitter. Criteria: Ambry Variant Classification Scheme 2023. Collection method: clinical testing. Allele origin: germline.